The following is an entry in ClinVar:

NM_003072.5(SMARCA4):c.3873+6A>T

Gene: SMARCA4 (SWI/SNF related BAF chromatin remodeling complex subunit ATPase 4; plus strand). Cytogenetic location: 19p13.2.
Variant type: single nucleotide variant.
Coding change: c.3873+6A>T on transcript NM_003072.5 (MANE Select); 6 bases into the intron after coding-DNA position 3873, A replaced by T.
Molecular consequence: intron variant.
Genome position (GRCh38, 1-based): chr19:11,033,871, A>T. VCF-style: chr19-11033871-A-T. GRCh37 (hg19) VCF-style: chr19-11144547-A-T.
Other names: c.3873+6A>T (NM_001128844.3, NM_001128849.3, NM_001387283.1); c.3775-252A>T (NM_001128847.4, NM_001411150.1, NM_001374457.1 and 3 more transcripts).
Identifiers: ClinVar variation 5042105 (VCV005042105.1).
Genomic context (GRCh38, chr19:11,033,871, plus strand): 5'-CACTGCCCCTCCGCCAGCGGGCGTCAACCCCGACTTGGAGGAGCCACCTCTAAAGGTGAG[A>T]GGGGTAGTTCAGTCTCCATGCCCATTCAATCCTCGGCTTCTCGGCTGAGACGGCCAGCAA-3'

ClinVar aggregate classification (germline): Likely benign (1 of 4 stars; one submission).

Conditions:
Rhabdoid tumor predisposition syndrome 2 (RTPS2). Identifiers: Orphanet 231108, Orphanet 69077, MedGen C2750074, MONDO:0013224, OMIM 613325.

Submission:

Myriad Genetics, Inc.
Classification: Likely benign for Rhabdoid tumor predisposition syndrome 2. Last evaluated: 2026-07-08. Review status: criteria provided, single submitter. Criteria: Myriad Autosomal Dominant, Autosomal Recessive and X-Linked Classification Criteria (2023). Collection method: clinical testing. Allele origin: unknown.
Comment: This variant is considered likely benign. This variant is intronic and is not expected to impact mRNA splicing.